The following is an entry in ClinVar:

ClinVar aggregate classification (germline): Uncertain significance (1 of 4 stars; one submission).

Conditions:
Hereditary cancer-predisposing syndrome. Also called: Hereditary Cancer Syndrome; Neoplastic Syndromes, Hereditary; Tumor predisposition; Hereditary neoplastic syndrome. Identifiers: Orphanet 140162, MedGen C0027672, MeSH D009386, MONDO:0015356.

Submission:

Ambry Genetics
Classification: Uncertain significance for Hereditary cancer-predisposing syndrome. Last evaluated: 2022-04-19. Review status: criteria provided, single submitter. Criteria: Ambry Variant Classification Scheme 2023. Collection method: clinical testing. Allele origin: germline.
Comment: The p.D1659H variant (also known as c.4975G>C), located in coding exon 15 of the APC gene, results from a G to C substitution at nucleotide position 4975. The aspartic acid at codon 1659 is replaced by histidine, an amino acid with similar properties. This amino acid position is conserved. In addition, in silico predictors for this gene do not accurately predict pathogenicity. Since supporting evidence is limited at this time, the clinical significance of this alteration remains unclear.

NM_000038.6(APC):c.4975G>C (p.Asp1659His)

Gene: APC (APC regulator of Wnt signaling pathway; plus strand). Cytogenetic location: 5q22.2.
Variant type: single nucleotide variant.
Coding change: c.4975G>C on transcript NM_000038.6 (MANE Select); coding-DNA position 4975, G replaced by C.
Protein change: p.Asp1659His; replaces aspartic acid 1659 with histidine.
Molecular consequence: missense variant.
Genome position (GRCh38, 1-based): chr5:112,840,569, G>C. VCF-style: chr5-112840569-G-C. GRCh37 (hg19) VCF-style: chr5-112176266-G-C.
Other names: c.4975G>C, p.Asp1659His (NM_001127510.3, NM_001354895.2, NM_001407450.1); c.4921G>C, p.Asp1641His (NM_001127511.3); c.5029G>C, p.Asp1677His (NM_001354896.2, NM_001407447.1, NM_001407448.1 and 1 more transcripts); c.5005G>C, p.Asp1669His (NM_001354897.2); c.4900G>C, p.Asp1634His (NM_001354898.2); c.4891G>C, p.Asp1631His (NM_001354899.2); c.4852G>C, p.Asp1618His (NM_001354900.2); c.4798G>C, p.Asp1600His (NM_001354901.2, NM_001407453.1); and 11 more; short protein forms D1376H, D1499H, D1530H, D1533H, D1618H, D1649H, D1275H, D1558H.
Identifiers: ClinVar variation 1744492 (VCV001744492.2), dbSNP rs776103515, ClinGen allele CA16032221.